The following is an entry in ClinVar:

ClinVar aggregate classification (germline): Likely benign. Review status: criteria provided, multiple submitters, no conflicts (2 of 4 stars). 3 submissions from 3 submitters: Likely benign (3). Last evaluated 2025-12-18.

Allele frequency attached by ClinVar (database versions not stated): TOPMed 0.00005; gnomAD 0.00006 and 0.00007.
gnomAD v4.1: 57 of 1,614,222 alleles (0.0035%); highest among the groups gnomAD compares: Admixed American, 0.018%; no homozygotes.

Submissions (3):

Labcorp Genetics (formerly Invitae), Labcorp
Classification: Likely benign. Last evaluated: 2025-12-18. Review status: criteria provided, single submitter. Criteria: Invitae Variant Classification Sherloc (09022015). Collection method: clinical testing. Allele origin: germline.

CeGaT Center for Human Genetics Tuebingen
Classification: Likely benign. Last evaluated: 2025-08-01. Review status: criteria provided, single submitter. Criteria: CeGaT Center For Human Genetics Tuebingen Variant Classification Criteria Version 2. Collection method: clinical testing. Allele origin: germline. Affected: yes. Observed: 1 variant allele.
Comment: LAMB1: BP4, BP7

GeneDx
Classification: Likely benign. Last evaluated: 2017-11-28. Review status: criteria provided, single submitter. Criteria: GeneDx Variant Classification (06012015). Collection method: clinical testing. Allele origin: germline. Affected: yes.
Comment: This variant is considered likely benign or benign based on one or more of the following criteria: it is a conservative change, it occurs at a poorly conserved position in the protein, it is predicted to be benign by multiple in silico algorithms, and/or has population frequency not consistent with disease.

NM_002291.3(LAMB1):c.3498G>A (p.Thr1166=)

Gene: LAMB1 (laminin subunit beta 1; minus strand). Cytogenetic location: 7q31.1.
Variant type: single nucleotide variant.
Coding change: c.3498G>A on transcript NM_002291.3 (MANE Select); coding-DNA position 3498, G replaced by A.
Protein change: p.Thr1166=; no amino-acid change (threonine 1166 retained).
Molecular consequence: synonymous variant.
Genome position (GRCh38, 1-based): chr7:107,940,252, C>T on the plus strand (G>A on the coding strand, the complement: LAMB1 is on the minus strand). VCF-style: chr7-107940252-C-T. GRCh37 (hg19) VCF-style: chr7-107580697-C-T.
Identifiers: ClinVar variation 513687 (VCV000513687.17), dbSNP rs778237047, ClinGen allele CA4435293.
Genomic context (GRCh38, chr7:107,940,252, plus strand): 5'-CCAGAGAGCAAAGCACTGGTGGCAGGGTGTGCAGTCAGGGAAGACCCCCGAGTACCCTCG[C>T]GTGCACTTGTCACAGCGTGGACCCTCAACACCCTCAACGCAGACACACTGGCCCGTGGAC-3'
Protein context (NP_002282.2, residues 1156-1176): GVEGPRCDKC[Thr1166=]RGYSGVFPDC